The following is an entry in ClinVar:

ClinVar aggregate classification (germline): Uncertain significance (1 of 4 stars; one submission).

Conditions:
Hereditary cancer-predisposing syndrome. Also called: Neoplastic Syndromes, Hereditary; Tumor predisposition; Hereditary Cancer Syndrome; Hereditary neoplastic syndrome. Identifiers: Orphanet 140162, MedGen C0027672, MeSH D009386, MONDO:0015356.

Allele frequency attached by ClinVar (database versions not stated): gnomAD exomes 0.00001.
gnomAD v4.1: 5 of 1,613,666 alleles (0.00031%); highest among the groups gnomAD compares: Non-Finnish European, 0.00042%; no homozygotes.

Submission:

Ambry Genetics
Classification: Uncertain significance for Hereditary cancer-predisposing syndrome. Last evaluated: 2020-06-16. Review status: criteria provided, single submitter. Criteria: Ambry Variant Classification Scheme 2023. Collection method: clinical testing. Allele origin: germline.
Comment: The p.Q2421H variant (also known as c.7263G>C), located in coding exon 13 of the BRCA2 gene, results from a G to C substitution at nucleotide position 7263. The glutamine at codon 2421 is replaced by histidine, an amino acid with highly similar properties. This alteration was identified in a cohort of men with prostate cancer diagnosed between the ages of 36 and 88 (Kote-Jarai Z et al. Br. J. Cancer, 2011 Oct;105:1230-4). This amino acid position is not well conserved in available vertebrate species. In addition, this alteration is predicted to be tolerated by in silico analysis. Since supporting evidence is limited at this time, the clinical significance of this alteration remains unclear.

Literature cited by the submitters: PubMed 21952622.

NM_000059.4(BRCA2):c.7263G>C (p.Gln2421His)

Gene: BRCA2 (BRCA2 DNA repair associated; plus strand). Cytogenetic location: 13q13.1.
Variant type: single nucleotide variant.
Coding change: c.7263G>C on transcript NM_000059.4 (MANE Select); coding-DNA position 7263, G replaced by C.
Protein change: p.Gln2421His; replaces glutamine 2421 with histidine.
Molecular consequence: missense variant.
Genome position (GRCh38, 1-based): chr13:32,355,116, G>C. VCF-style: chr13-32355116-G-C. GRCh37 (hg19) VCF-style: chr13-32929253-G-C.
Other names: c.7167G>C, p.Gln2389His (NM_001406719.1); c.7263G>C, p.Gln2421His (NM_001406720.1); c.2331G>C, p.Gln777His (NM_001406721.1); c.846G>C, p.Gln282His (NM_001406722.1); short protein forms Q282H, Q2389H, Q777H, Q2421H.
Identifiers: ClinVar variation 1757975 (VCV001757975.2), dbSNP rs1555286060, ClinGen allele CA387740557.